The following is an entry in ClinVar:

ClinVar aggregate classification (germline): Uncertain significance. Review status: criteria provided, multiple submitters, no conflicts (2 of 4 stars). 2 submissions from 2 submitters: Uncertain significance (2). Last evaluated 2025-10-27.

Conditions:
Developmental and epileptic encephalopathy, 42 (DEE42A). Also called: Epileptic encephalopathy, early infantile, 42; DEVELOPMENTAL AND EPILEPTIC ENCEPHALOPATHY 42A; EPILEPTIC ENCEPHALOPATHY, EARLY INFANTILE, 42A. Identifiers: MedGen C4310716, MONDO:0014917, OMIM 617106.

Submissions (2):

3billion
Classification: Uncertain significance for Developmental and epileptic encephalopathy, 42. Last evaluated: 2025-10-27. Review status: criteria provided, single submitter. Criteria: ACMG Guidelines, 2015. Collection method: clinical testing. Allele origin: germline. Affected: yes.
Comment: The variant is not observed in the gnomAD v4.1.0 dataset. Predicted Consequence/Location: Missense variant Damaging effect on gene or gene product predicted by in silico programs is uncertain [REVEL: 0.49 (damaging >=0.6, benign <0.4), 3Cnet: 0.54 (damaging >0.75, benign <0.1)]. The same nucleotide change resulting in the same amino acid change has been previously reported to be associated with CACNA1A-related disorder (PMID: 30293248). However, the evidence of pathogenicity is insufficient at this time. Therefore, this variant is classified as VUS according to the recommendation of ACMG/AMP guideline.

GeneDx
Classification: Uncertain significance. Last evaluated: 2025-05-16. Review status: criteria provided, single submitter. Criteria: GeneDx Variant Classification Process June 2021. Collection method: clinical testing. Allele origin: germline. Affected: yes.
Comment: Identified in at least one patient with CACNA1A-related features in published literature (PMID: 30293248); Not observed at significant frequency in large population cohorts (gnomAD); In silico analysis supports that this missense variant has a deleterious effect on protein structure/function; This variant is associated with the following publications: (PMID: 30293248)

Literature cited by the submitters: PubMed 30293248 (cited by 3billion).

NM_001127222.2(CACNA1A):c.997A>G (p.Asn333Asp)

Genes: CACNA1A (calcium voltage-gated channel subunit alpha1 A; minus strand), LOC126862866 (MED14-independent group 3 enhancer GRCh37_chr19:13445719-13446918; plus strand). Cytogenetic location: 19p13.13.
Variant type: single nucleotide variant.
Coding change: c.997A>G on transcript NM_001127222.2 (MANE Select); coding-DNA position 997, A replaced by G.
Protein change: p.Asn333Asp; replaces asparagine 333 with aspartic acid.
Molecular consequence: missense variant.
Genome position (GRCh38, 1-based): chr19:13,335,891, T>C on the plus strand (A>G on the coding strand, the complement: CACNA1A is on the minus strand). VCF-style: chr19-13335891-T-C. GRCh37 (hg19) VCF-style: chr19-13446705-T-C.
Other names: c.997A>G, p.Asn333Asp (NM_000068.4, NM_001127221.2, NM_001174080.2 and 1 more transcripts); short protein forms N333D.
Identifiers: ClinVar variation 4529675 (VCV004529675.2).